The following is an entry in ClinVar:

ClinVar aggregate classification (germline): Uncertain significance (1 of 4 stars; one submission).

Conditions:
RYR1-related disorder. Also called: RYR1-related condition; RYR1-related disorders. Identifiers: MedGen CN239331.

Submission:

Labcorp Genetics (formerly Invitae), Labcorp
Classification: Uncertain significance for RYR1-related disorder. Last evaluated: 2024-09-27. Review status: criteria provided, single submitter. Criteria: Invitae Variant Classification Sherloc (09022015). Collection method: clinical testing. Allele origin: germline.
Comment: This sequence change replaces glutamine, which is neutral and polar, with lysine, which is basic and polar, at codon 1057 of the RYR1 protein (p.Gln1057Lys). This variant is not present in population databases (gnomAD no frequency). This variant has not been reported in the literature in individuals affected with RYR1-related conditions. Invitae Evidence Modeling of protein sequence and biophysical properties (such as structural, functional, and spatial information, amino acid conservation, physicochemical variation, residue mobility, and thermodynamic stability) has been performed for this missense variant. However, the output from this modeling did not meet the statistical confidence thresholds required to predict the impact of this variant on RYR1 protein function. In summary, the available evidence is currently insufficient to determine the role of this variant in disease. Therefore, it has been classified as a Variant of Uncertain Significance.

NM_000540.3(RYR1):c.3169C>A (p.Gln1057Lys)

Gene: RYR1 (ryanodine receptor 1; plus strand). Cytogenetic location: 19q13.2.
Variant type: single nucleotide variant.
Coding change: c.3169C>A on transcript NM_000540.3 (MANE Select); coding-DNA position 3169, C replaced by A.
Protein change: p.Gln1057Lys; replaces glutamine 1057 with lysine.
Molecular consequence: missense variant.
Genome position (GRCh38, 1-based): chr19:38,466,389, C>A. VCF-style: chr19-38466389-C-A. GRCh37 (hg19) VCF-style: chr19-38957029-C-A.
Other names: c.3169C>A, p.Gln1057Lys (NM_001042723.2); short protein forms Q1057K.
Identifiers: ClinVar variation 3636225 (VCV003636225.2).
Genomic context (GRCh38, chr19:38,466,389, plus strand): 5'-AGCCTCTGCCAGGCCGTGCGCACCCTCCTGGGCTACGGCTACAACATCGAGCCTCCTGAC[C>A]AGGAGCCCAGTGAGTGCTCACCCCTGGCCCTGGCCCTGACTCCTACCCCAACTCTGACCC-3'
Protein context (NP_000531.2, residues 1047-1067): GYGYNIEPPD[Gln1057Lys]EPSQVENQSR